The following is an entry in ClinVar:

NM_001130965.3(SUN1):c.1513G>A (p.Val505Ile)

Gene: SUN1 (Sad1 and UNC84 domain containing 1; plus strand). Cytogenetic location: 7p22.3.
Variant type: single nucleotide variant.
Coding change: c.1513G>A on transcript NM_001130965.3 (MANE Select); coding-DNA position 1513, G replaced by A.
Protein change: p.Val505Ile; replaces valine 505 with isoleucine.
Molecular consequence: missense variant. On other transcripts: non-coding transcript variant (3).
Genome position (GRCh38, 1-based): chr7:857,946, G>A. VCF-style: chr7-857946-G-A. GRCh37 (hg19) VCF-style: chr7-897583-G-A.
Other names: c.1204G>A, p.Val402Ile (NM_001171944.2); c.1513G>A, p.Val505Ile (NM_001367633.1, NM_001367634.1, NM_001367653.1); c.1162G>A, p.Val388Ile (NM_001367635.1); c.1753G>A, p.Val585Ile (NM_001367636.1, NM_001367691.1); c.1621G>A, p.Val541Ile (NM_001367638.1); c.1054G>A, p.Val352Ile (NM_001367639.1); c.1693G>A, p.Val565Ile (NM_001367640.1); c.1795G>A, p.Val599Ile (NM_001367641.1, NM_001367682.1); and 44 more; short protein forms V388I, V449I, V454I, V455I, V472I, V479I, V492I, V504I.
Identifiers: ClinVar variation 1376770 (VCV001376770.9), dbSNP rs371879209, ClinGen allele CA4112260.

ClinVar aggregate classification (germline): Conflicting classifications of pathogenicity. Review status: criteria provided, conflicting classifications (1 of 4 stars). 2 submissions from 2 submitters: Uncertain significance (1); Likely benign (1). Last evaluated 2025-06-18.

Conditions:
Emery-Dreifuss muscular dystrophy (EDMD). Also called: Scapuloperoneal syndrome, X-linked (formerly); Humeroperoneal neuromuscular disease, (formerly). Identifiers: Orphanet 261, MedGen C0410189, MONDO:0016830.

Allele frequency attached by ClinVar (database versions not stated): ExAC 0.00004; gnomAD exomes 0.00004; ESP Exome Variant Server 0.00008; gnomAD 0.00010 and 0.00011; TOPMed 0.00011.
gnomAD v4.1: 49 of 1,569,616 alleles (0.0031%); highest among the groups gnomAD compares: African/African-American, 0.031%; no homozygotes.

Submissions (2):

Labcorp Genetics (formerly Invitae), Labcorp
Classification: Uncertain significance for Emery-Dreifuss muscular dystrophy. Last evaluated: 2025-06-18. Review status: criteria provided, single submitter. Criteria: Invitae Variant Classification Sherloc (09022015). Collection method: clinical testing. Allele origin: germline.
Comment: This sequence change replaces valine, which is neutral and non-polar, with isoleucine, which is neutral and non-polar, at codon 505 of the SUN1 protein (p.Val505Ile). This variant is present in population databases (rs371879209, gnomAD 0.03%). This variant has not been reported in the literature in individuals affected with SUN1-related conditions. ClinVar contains an entry for this variant (Variation ID: 1376770). An algorithm developed to predict the effect of missense changes on protein structure and function outputs the following: PolyPhen-2: "Benign". The isoleucine amino acid residue is found in multiple mammalian species, which suggests that this missense change does not adversely affect protein function. In summary, the available evidence is currently insufficient to determine the role of this variant in disease. Therefore, it has been classified as a Variant of Uncertain Significance.

Ambry Genetics
Classification: Likely benign. Last evaluated: 2022-07-12. Review status: criteria provided, single submitter. Criteria: Ambry Variant Classification Scheme 2023. Collection method: clinical testing. Allele origin: germline.